The following is an entry in ClinVar:

NM_002474.3(MYH11):c.5385G>C (p.Lys1795Asn)

Genes: NDE1 (nudE neurodevelopment protein 1; plus strand), MYH11 (myosin heavy chain 11; minus strand). Cytogenetic location: 16p13.11.
Variant type: single nucleotide variant.
Coding change: c.5385G>C on transcript NM_002474.3 (MANE Select); coding-DNA position 5385, G replaced by C.
Protein change: p.Lys1795Asn; replaces lysine 1795 with asparagine.
Molecular consequence: missense variant. On other transcripts: intron variant (2).
Genome position (GRCh38, 1-based): chr16:15,717,259, C>G on the plus strand (G>C on the coding strand, the complement: MYH11 is on the minus strand). VCF-style: chr16-15717259-C-G. GRCh37 (hg19) VCF-style: chr16-15811116-C-G.
Other names: c.5406G>C, p.Lys1802Asn (NM_001040113.2, NM_001040114.2); c.5385G>C, p.Lys1795Asn (NM_022844.3); c.948-6932C>G (NM_001143979.2, NM_017668.3); short protein forms K1795N, K1802N.
Identifiers: ClinVar variation 2976078 (VCV002976078.3), dbSNP rs776794802, ClinGen allele CA7921286.

ClinVar aggregate classification (germline): Uncertain significance (1 of 4 stars; one submission).

Conditions:
Aortic aneurysm, familial thoracic 4 (AAT4). Also called: AORTIC ANEURYSM/AORTIC DISSECTION AND PATENT DUCTUS ARTERIOSUS. Identifiers: MedGen C1851504, MONDO:0007568, OMIM 132900.

Allele frequency attached by ClinVar (database versions not stated): TOPMed below 0.00001; gnomAD 0.00001; ExAC 0.00002.
gnomAD v4.1: 2 of 1,614,016 alleles (0.00012%); highest among the groups gnomAD compares: Non-Finnish European, 0.00017%; no homozygotes.

Submission:

Labcorp Genetics (formerly Invitae), Labcorp
Classification: Uncertain significance for Aortic aneurysm, familial thoracic 4. Last evaluated: 2024-02-12. Review status: criteria provided, single submitter. Criteria: Invitae Variant Classification Sherloc (09022015). Collection method: clinical testing. Allele origin: germline.
Comment: This sequence change replaces lysine, which is basic and polar, with asparagine, which is neutral and polar, at codon 1802 of the MYH11 protein (p.Lys1802Asn). This variant is present in population databases (rs776794802, gnomAD 0.002%). This variant has not been reported in the literature in individuals affected with MYH11-related conditions. Advanced modeling of protein sequence and biophysical properties (such as structural, functional, and spatial information, amino acid conservation, physicochemical variation, residue mobility, and thermodynamic stability) performed at Invitae indicates that this missense variant is not expected to disrupt MYH11 protein function with a negative predictive value of 95%. In summary, the available evidence is currently insufficient to determine the role of this variant in disease. Therefore, it has been classified as a Variant of Uncertain Significance.